The following is an entry in ClinVar:

ClinVar aggregate classification (germline): Uncertain significance (1 of 4 stars; one submission).

Submission:

CeGaT Center for Human Genetics Tuebingen
Classification: Uncertain significance. Last evaluated: 2025-09-01. Review status: criteria provided, single submitter. Criteria: CeGaT Center For Human Genetics Tuebingen Variant Classification Criteria Version 2. Collection method: clinical testing. Allele origin: germline. Affected: yes. Observed: 1 variant allele.
Comment: RBFOX1: PM2, PVS1:Moderate

NM_018723.4(RBFOX1):c.801C>G (p.Tyr267Ter)

Gene: RBFOX1 (RNA binding fox-1 homolog 1; plus strand). Cytogenetic location: 16p13.3.
Variant type: single nucleotide variant.
Coding change: c.801C>G on transcript NM_018723.4 (MANE Select); coding-DNA position 801, C replaced by G.
Protein change: p.Tyr267Ter; replaces tyrosine 267 with a stop codon.
Molecular consequence: nonsense.
Genome position (GRCh38, 1-based): chr16:7,653,858, C>G. VCF-style: chr16-7653858-C-G. GRCh37 (hg19) VCF-style: chr16-7703860-C-G.
Other names: c.720C>G, p.Tyr240Ter (NM_001142333.2); c.801C>G, p.Tyr267Ter (NM_001142334.2, NM_001364800.2); c.930C>G, p.Tyr310Ter (NM_001308117.1, NM_001411047.1, NM_001415891.1 and 1 more transcripts); c.1398C>G, p.Tyr466Ter (NM_001415887.1); c.1317C>G, p.Tyr439Ter (NM_001415888.1); c.909C>G, p.Tyr303Ter (NM_001415889.1, NM_001415892.1, NM_001415894.1 and 1 more transcripts); c.876C>G, p.Tyr292Ter (NM_001415890.1, NM_001415893.1, NM_001415899.1 and 1 more transcripts); c.861C>G, p.Tyr287Ter (NM_001415896.1, NM_145891.3, NM_001415904.1 and 2 more transcripts); and 12 more; short protein forms Y236*, Y240*, Y242*, Y245*, Y252*, Y260*, Y261*, Y265*.
Identifiers: ClinVar variation 4281589 (VCV004281589.7).